The following is an entry in ClinVar:

ClinVar aggregate classification (germline): Uncertain significance (1 of 4 stars; one submission).

Submission:

Women's Health and Genetics/Laboratory Corporation of America, LabCorp
Classification: Uncertain significance. Last evaluated: 2024-09-10. Review status: criteria provided, single submitter. Criteria: LabCorp Variant Classification Summary - May 2015. Collection method: clinical testing. Allele origin: germline.
Comment: Variant summary: The variant involves the duplication of exons 1-4 in the SLC25A4 gene. A presumed nomenclature of c.(?_-108)_(*3412_?)dup has been designated for the purposes of this classification. This duplication includes the entire coding sequence of the gene. As exact breakpoints are unknown, it may extend beyond the annotated region of the gene, to include other flanking genes. The variant was absent in 21694 control chromosomes. The available data on variant occurrences in the general population are insufficient to allow any conclusion about variant significance. To our knowledge, no occurrence of c.(?_-108)_(*3412_?)dup in individuals affected with Mitochondrial DNA Depletion Syndrome 12A (Cardiomyopathic Type) AD and no experimental evidence demonstrating its impact on protein function have been reported. ClinVar contains an entry for this variant (Variation ID: 2423888). Based on the evidence outlined above, the variant was classified as uncertain significance.

NC_000004.11:g.(?_186064419)_(186071537_?)dup

Gene: SLC25A4 (solute carrier family 25 member 4; plus strand). Cytogenetic location: 4q35.1.
Variant type: Duplication.
Identifiers: ClinVar variation 3374920 (VCV003374920.1).